The following is an entry in ClinVar:

ClinVar aggregate classification (germline): Uncertain significance (1 of 4 stars; one submission).

Conditions:
Familial intrahepatic cholestasis. Identifiers: Orphanet 284385, MedGen CN296401, MONDO:0017290.

Submission:

Genomenon, Inc
Classification: Uncertain significance for Familial intrahepatic cholestasis. Last evaluated: 2026-04-14. Review status: criteria provided, single submitter. Criteria: Genomenon Sequence Variant Interpretation Standards - Updated. Collection method: curation. Allele origin: germline. Affected: yes.
Comment: ABCB11 p.Ala376Asp (c.1127C>A) is a missense variant that changes the amino acid at residue 376 from Alanine to Aspartic acid. This variant has been observed in at least one proband with an ABCB11-related disorder (PMID:32309332;32087350;32808743). It is absent or not present at a significant frequency in gnomAD. In silico models predict that this variant is possibly or probably damaging. In conclusion, we classify ABCB11 p.Ala376Asp (c.1127C>A) as a variant of uncertain significance.

Literature cited by the submitters: PubMed 32309332; PubMed 32087350; PubMed 32808743.

NM_003742.4(ABCB11):c.1127C>A (p.Ala376Asp)

Gene: ABCB11 (ATP binding cassette subfamily B member 11; minus strand). Cytogenetic location: 2q31.1.
Variant type: single nucleotide variant.
Coding change: c.1127C>A on transcript NM_003742.4 (MANE Select); coding-DNA position 1127, C replaced by A.
Protein change: p.Ala376Asp; replaces alanine 376 with aspartic acid.
Molecular consequence: missense variant.
Genome position (GRCh38, 1-based): chr2:168,979,936, G>T on the plus strand (C>A on the coding strand, the complement: ABCB11 is on the minus strand). VCF-style: chr2-168979936-G-T. GRCh37 (hg19) VCF-style: chr2-169836446-G-T.
Other names: short protein forms A376D.
Identifiers: ClinVar variation 4845942 (VCV004845942.1).
Genomic context (GRCh38, chr2:168,979,936, plus strand): 5'-GTCTCAAAAATGCTGGTGGCTGCTGCACGTCCAGTTGCAAAGGCTTCCAAACAAGGAGAG[G>T]CATTGCCAAGATTTAAAGCTCCTACTATGACACTGAGGAAAATCTGAAATGAAAAGAGAG-3'
Protein context (NP_003733.2, residues 366-386): VIVGALNLGN[Ala376Asp]SPCLEAFATG